The following is an entry in ClinVar:

ClinVar aggregate classification (germline): Pathogenic. Review status: criteria provided, multiple submitters, no conflicts (2 of 4 stars). 3 submissions from 3 submitters: Pathogenic (3). Last evaluated 2025-11-09.

Conditions:
Hyperornithinemia-hyperammonemia-homocitrullinuria syndrome (HHHS). Also called: Ornithine translocase deficiency; HHH SYNDROME. Identifiers: Orphanet 415, MedGen C0268540, MONDO:0009393, OMIM 238970.

Submissions (3):

Natera, Inc.
Classification: Pathogenic for Hyperornithinemia-hyperammonemia-homocitrullinuria syndrome. Last evaluated: 2025-11-09. Review status: criteria provided, single submitter. Criteria: Natera Variant Classification Schema (03/2026). Collection method: clinical testing. Allele origin: germline.
Comment: The c.113_116dupAGAC variant in SLC25A15 is a frameshift variant predicted to shift the reading frame beginning at codon 40 and leads to a stop codon 4 codons downstream. This variant is expected to result in nonsense mediated decay, truncation, or a dysfunctional protein product. This variant is rare in the general population with a frequency below the threshold expected for the associated phenotype(s). This variant has been observed in one or more individuals affected with the associated recessive disease, as either homozygous or compound heterozygous with a second variant (PMID: 39519275). Given the available evidence, this variant is classified as Pathogenic.

Labcorp Genetics (formerly Invitae), Labcorp
Classification: Pathogenic for Hyperornithinemia-hyperammonemia-homocitrullinuria syndrome. Last evaluated: 2025-08-11. Review status: criteria provided, single submitter. Criteria: Invitae Variant Classification Sherloc (09022015). Collection method: clinical testing. Allele origin: germline.
Comment: This sequence change creates a premature translational stop signal (p.Phe40Aspfs*4) in the SLC25A15 gene. It is expected to result in an absent or disrupted protein product. Loss-of-function variants in SLC25A15 are known to be pathogenic (PMID: 11552031, 19242930). This variant is present in population databases (rs756522093, gnomAD 0.01%). This variant has not been reported in the literature in individuals affected with SLC25A15-related conditions. ClinVar contains an entry for this variant (Variation ID: 950666). Algorithms developed to predict the effect of sequence changes on RNA splicing suggest that this variant may disrupt the consensus splice site. For these reasons, this variant has been classified as Pathogenic.

Baylor Genetics
Classification: Pathogenic for Hyperornithinemia-hyperammonemia-homocitrullinuria syndrome. Last evaluated: 2024-03-19. Review status: criteria provided, single submitter. Criteria: ACMG Guidelines, 2015. Collection method: clinical testing. Allele origin: unknown.

Literature cited by the submitters: PubMed 39519275 (cited by Natera, Inc.); PubMed 11552031 (cited by Labcorp Genetics (formerly Invitae), Labcorp); PubMed 19242930 (cited by Labcorp Genetics (formerly Invitae), Labcorp).

NM_014252.4(SLC25A15):c.113_116dup (p.Phe40fs)

Gene: SLC25A15 (solute carrier family 25 member 15; plus strand). Cytogenetic location: 13q14.11.
Variant type: Duplication.
Coding change: c.113_116dup on transcript NM_014252.4 (MANE Select); coding-DNA positions 113 to 116, 4 bases duplicated (AGAC; older notation c.113_116dupAGAC).
Protein change: p.Phe40fs; shifts the reading frame from phenylalanine 40.
Molecular consequence: frameshift variant. On other transcripts: non-coding transcript variant (2).
Genome position (GRCh38, 1-based): chr13:40,799,114-40,799,117, AGAC duplicated; duplicating any 4 consecutive bases within chr13:40,799,113-40,799,117 gives the same sequence; the c. name uses the placement nearest the transcript's 3' end. VCF-style (leftmost placement, unchanged base first): chr13-40799112-G-GCAGA. GRCh37 (hg19) VCF-style: chr13-41373248-G-GCAGA.
Other names: c.113_116dupAGAC (NM_014252.3); short protein forms F40fs.
Identifiers: ClinVar variation 950666 (VCV000950666.10), dbSNP rs756522093, ClinGen allele CA6959627.
Genomic context (GRCh38, chr13:40,799,112, plus strand): 5'-TGCAGGAGGTACAGCATGTGTACTGACCGGGCAGCCCTTTGACACAATGAAAGTGAAGAT[G>GCAGA]CAGACGTTCCCTGACCTGTACCGGGGCCTCACCGACTGCTGCCTGAAGACTTACTCCCAG-3'